The following is an entry in ClinVar:

NM_001130438.3(SPTAN1):c.7074C>T (p.Arg2358=)

Gene: SPTAN1 (spectrin alpha, non-erythrocytic 1; plus strand). Cytogenetic location: 9q34.11.
Variant type: single nucleotide variant.
Coding change: c.7074C>T on transcript NM_001130438.3 (MANE Select); coding-DNA position 7074, C replaced by T.
Protein change: p.Arg2358=; no amino-acid change (arginine 2358 retained).
Molecular consequence: synonymous variant.
Genome position (GRCh38, 1-based): chr9:128,632,632, C>T. VCF-style: chr9-128632632-C-T. GRCh37 (hg19) VCF-style: chr9-131394911-C-T.
Other names: c.6999C>T, p.Arg2333= (NM_001195532.2); c.7137C>T, p.Arg2379= (NM_001363759.2); c.7014C>T, p.Arg2338= (NM_001363765.2); c.7059C>T, p.Arg2353= (NM_003127.4).
Identifiers: ClinVar variation 507012 (VCV000507012.15), dbSNP rs771456936, ClinGen allele CA5266004.

ClinVar aggregate classification (germline): Likely benign. Review status: criteria provided, multiple submitters, no conflicts (2 of 4 stars). 5 submissions from 5 submitters: Likely benign (5). Last evaluated 2026-09-01.

Conditions:
Early-infantile DEE. Also called: Early infantile epileptic encephalopathy; Early infantile epileptic encephalopathy with suppression bursts; Ohtahara syndrome. Identifiers: Orphanet 1934, MedGen C0393706, MONDO:0800491.

Allele frequency attached by ClinVar (database versions not stated): ExAC 0.00002; gnomAD 0.00002; TOPMed 0.00003; gnomAD exomes 0.00004.
gnomAD v4.1: 60 of 1,613,970 alleles (0.0037%); highest among the groups gnomAD compares: Non-Finnish European, 0.0048%; no homozygotes.

Submissions (5):

CeGaT Center for Human Genetics Tuebingen
Classification: Likely benign. Last evaluated: 2026-09-01. Review status: criteria provided, single submitter. Criteria: CeGaT Center For Human Genetics Tuebingen Variant Classification Criteria Version 2. Collection method: clinical testing. Allele origin: germline. Affected: yes. Observed: 1 variant allele.
Comment: SPTAN1: BP4, BP7

Labcorp Genetics (formerly Invitae), Labcorp
Classification: Likely benign for Early-infantile DEE. Last evaluated: 2025-07-13. Review status: criteria provided, single submitter. Criteria: Invitae Variant Classification Sherloc (09022015). Collection method: clinical testing. Allele origin: germline.

Women's Health and Genetics/Laboratory Corporation of America, LabCorp
Classification: Likely benign. Last evaluated: 2025-02-24. Review status: criteria provided, single submitter. Criteria: LabCorp Variant Classification Summary - May 2015. Collection method: clinical testing. Allele origin: germline.

Blueprint Genetics
Classification: Likely benign. Last evaluated: 2022-12-27. Review status: criteria provided, single submitter. Criteria: ACMG Guidelines, 2015. Collection method: clinical testing. Allele origin: germline.

GeneDx
Classification: Likely benign. Last evaluated: 2017-02-02. Review status: criteria provided, single submitter. Criteria: GeneDx Variant Classification (06012015). Collection method: clinical testing. Allele origin: germline. Affected: yes.
Comment: This variant is considered likely benign or benign based on one or more of the following criteria: it is a conservative change, it occurs at a poorly conserved position in the protein, it is predicted to be benign by multiple in silico algorithms, and/or has population frequency not consistent with disease.